The following is an entry in ClinVar:

ClinVar aggregate classification (germline): Likely benign (1 of 4 stars; one submission).

Submission:

GeneDx
Classification: Likely benign. Last evaluated: 2023-06-07. Review status: criteria provided, single submitter. Criteria: GeneDx Variant Classification Process June 2021. Collection method: clinical testing. Allele origin: germline. Affected: yes.
Comment: See Variant Classification Assertion Criteria.

NM_002839.4(PTPRD):c.5534+7_5534+8insGTAAGTTACAGTTCAAGAATGGTAA

Gene: PTPRD (protein tyrosine phosphatase receptor type D; minus strand). Cytogenetic location: 9p24.1.
Variant type: Insertion.
Coding change: c.5534+7_5534+8insGTAAGTTACAGTTCAAGAATGGTAA on transcript NM_002839.4 (MANE Select); bases 7 to 8 of the intron after coding-DNA position 5534, GTAAGTTACAGTTCAAGAATGGTAA inserted.
Molecular consequence: splice donor variant.
Genome position: GRCh38 VCF-style: chr9-8331574-A-AAACTTACTTACCATTCTTGAACTGT. GRCh37 (hg19) VCF-style: chr9-8331574-A-AAACTTACTTACCATTCTTGAACTGT.
Other names: c.4313+7_4313+8insGTAAGTTACAGTTCAAGAATGGTAA (NM_001171025.2, NM_130391.4); c.4325+7_4325+8insGTAAGTTACAGTTCAAGAATGGTAA (NM_001377946.1); c.5549+7_5549+8insGTAAGTTACAGTTCAAGAATGGTAA (NM_001378058.1); c.5594+7_5594+8insGTAAGTTACAGTTCAAGAATGGTAA (NM_001377958.1); c.4295+7_4295+8insGTAAGTTACAGTTCAAGAATGGTAA (NM_001377947.1); c.4304+7_4304+8insGTAAGTTACAGTTCAAGAATGGTAA (NM_001040712.2); c.4286+7_4286+8insGTAAGTTACAGTTCAAGAATGGTAA (NM_130393.3); c.4316+7_4316+8insGTAAGTTACAGTTCAAGAATGGTAA (NM_130392.3).
Identifiers: ClinVar variation 2504285 (VCV002504285.1), dbSNP rs368394000, ClinGen allele CA4983007.
Genomic context (GRCh38, chr9:8,331,574, plus strand): 5'-AAAAGTGTATACAGACAATGAAGAAACACCACCACTTATCACTGCTTTATTCACAAATGG[A>AAACTTACTTACCATTCTTGAACTGT]AACTTACCTGCAATGGACTGAAATGGGTCCATCTTGGCCAAACTGTTCTTTTGTTTTATG-3'